The following is an entry in ClinVar:

ClinVar aggregate classification (germline): Uncertain significance. Review status: criteria provided, multiple submitters, no conflicts (2 of 4 stars). 4 submissions from 4 submitters: Uncertain significance (4). Last evaluated 2025-11-28.

Conditions:
Catecholaminergic polymorphic ventricular tachycardia 1. Also called: RYR2-Related Catecholaminergic Polymorphic Ventricular Tachycardia; VENTRICULAR TACHYCARDIA, CATECHOLAMINERGIC POLYMORPHIC, 1, WITH OR WITHOUT ATRIAL DYSFUNCTION AND/OR DILATED CARDIOMYOPATHY; VENTRICULAR TACHYCARDIA, STRESS-INDUCED POLYMORPHIC 1. Identifiers: Orphanet 3286, MedGen C1631597, MONDO:0011484, OMIM 604772.
Cardiovascular phenotype. Identifiers: MedGen CN230736.
Catecholaminergic polymorphic ventricular tachycardia (CVPT). Also called: Catecholamine-induced polymorphic ventricular tachycardia. Identifiers: Orphanet 3286, MedGen C5574922, MONDO:0017990.
Cardiomyopathy (CMYO). Also called: Cardiomyopathies. Identifiers: Orphanet 167848, MedGen C0878544, MONDO:0004994, HP:0001638. Inheritance: Various modes of inheritance.

Allele frequency attached by ClinVar (database versions not stated): gnomAD exomes below 0.00001; gnomAD 0.00001.
gnomAD v4.1: 3 of 1,613,486 alleles (0.00019%); highest among the groups gnomAD compares: African/African-American, 0.0013%; no homozygotes.

Submissions (4):

Labcorp Genetics (formerly Invitae), Labcorp
Classification: Uncertain significance for Catecholaminergic polymorphic ventricular tachycardia 1. Last evaluated: 2025-11-28. Review status: criteria provided, single submitter. Criteria: Invitae Variant Classification Sherloc (09022015). Collection method: clinical testing. Allele origin: germline.
Comment: This sequence change replaces serine, which is neutral and polar, with phenylalanine, which is neutral and non-polar, at codon 528 of the RYR2 protein (p.Ser528Phe). This variant is present in population databases (no rsID available, gnomAD 0.0009%). This variant has not been reported in the literature in individuals affected with RYR2-related conditions. ClinVar contains an entry for this variant (Variation ID: 570652). Invitae Evidence Modeling of protein sequence and biophysical properties (such as structural, functional, and spatial information, amino acid conservation, physicochemical variation, residue mobility, and thermodynamic stability) indicates that this missense variant is not expected to disrupt RYR2 protein function with a negative predictive value of 95%. In summary, the available evidence is currently insufficient to determine the role of this variant in disease. Therefore, it has been classified as a Variant of Uncertain Significance.

Color Diagnostics, LLC DBA Color Health
Classification: Uncertain significance for Cardiomyopathy. Last evaluated: 2025-05-12. Review status: criteria provided, single submitter. Criteria: ACMG Guidelines, 2015. Collection method: clinical testing. Allele origin: germline.
Comment: This missense variant replaces serine with phenylalanine at codon 528 of the RYR2 protein. Computational prediction is inconclusive regarding the impact of this variant on protein structure and function. To our knowledge, functional studies have not been reported for this variant. This variant has not been reported in individuals affected with RYR2-related disorders in the literature. This variant has been identified in 1/248676 chromosomes in the general population by the Genome Aggregation Database (gnomAD). The available evidence is insufficient to determine the role of this variant in disease conclusively. Therefore, this variant is classified as a Variant of Uncertain Significance.

Ambry Genetics
Classification: Uncertain significance for Cardiovascular phenotype. Last evaluated: 2024-11-15. Review status: criteria provided, single submitter. Criteria: Ambry Variant Classification Scheme 2023. Collection method: clinical testing. Allele origin: germline.
Comment: The p.S528F variant (also known as c.1583C>T), located in coding exon 16 of the RYR2 gene, results from a C to T substitution at nucleotide position 1583. The serine at codon 528 is replaced by phenylalanine, an amino acid with highly dissimilar properties. This amino acid position is well conserved in available vertebrate species. In addition, the in silico prediction for this alteration is inconclusive. Based on the available evidence, the clinical significance of this variant remains unclear.

All of Us Research Program, National Institutes of Health
Classification: Uncertain significance for Catecholaminergic polymorphic ventricular tachycardia. Last evaluated: 2023-12-01. Review status: criteria provided, single submitter. Criteria: ACMG Guidelines, 2015. Collection method: clinical testing. Allele origin: germline. Inheritance: Autosomal dominant inheritance. Observed: 2 variant alleles, 2 heterozygotes.
Comment: This study involves interpretation of variants in research participants for the purpose of population health screening. Participant phenotype was not available at the time of variant classification. Additional details can be found in publication PMID: 35346344, PMCID: PMC8962531

NM_001035.3(RYR2):c.1583C>T (p.Ser528Phe)

Gene: RYR2 (ryanodine receptor 2; plus strand). Cytogenetic location: 1q43.
Variant type: single nucleotide variant.
Coding change: c.1583C>T on transcript NM_001035.3 (MANE Select); coding-DNA position 1583, C replaced by T.
Protein change: p.Ser528Phe; replaces serine 528 with phenylalanine.
Molecular consequence: missense variant.
Genome position (GRCh38, 1-based): chr1:237,456,706, C>T. VCF-style: chr1-237456706-C-T. GRCh37 (hg19) VCF-style: chr1-237620006-C-T.
Other names: c.1583C>T, p.Ser528Phe (LRG_402t1); short protein forms S528F.
Identifiers: ClinVar variation 570652 (VCV000570652.12), dbSNP rs867134734, ClinGen allele CA39786633.